The following is an entry in ClinVar:

NM_016239.4(MYO15A):c.4821C>A (p.Tyr1607Ter)

Gene: MYO15A (myosin XVA; plus strand). Cytogenetic location: 17p11.2.
Variant type: single nucleotide variant.
Coding change: c.4821C>A on transcript NM_016239.4 (MANE Select); coding-DNA position 4821, C replaced by A.
Protein change: p.Tyr1607Ter; replaces tyrosine 1607 with a stop codon.
Molecular consequence: nonsense.
Genome position (GRCh38, 1-based): chr17:18,137,625, C>A. VCF-style: chr17-18137625-C-A. GRCh37 (hg19) VCF-style: chr17-18040939-C-A.
Other names: short protein forms Y1607*.
Identifiers: ClinVar variation 1070174 (VCV001070174.5), dbSNP rs769768100, ClinGen allele CA398596719.

ClinVar aggregate classification (germline): Pathogenic (1 of 4 stars; one submission).

gnomAD v4.1: 2 of 1,614,162 alleles (0.00012%); highest among the groups gnomAD compares: Non-Finnish European, 0.00017%; no homozygotes.

Submission:

Labcorp Genetics (formerly Invitae), Labcorp
Classification: Pathogenic. Last evaluated: 2020-04-26. Review status: criteria provided, single submitter. Criteria: Invitae Variant Classification Sherloc (09022015). Collection method: clinical testing. Allele origin: germline.
Comment: This sequence change creates a premature translational stop signal (p.Tyr1607*) in the MYO15A gene. It is expected to result in an absent or disrupted protein product. This variant is not present in population databases (ExAC no frequency). This variant has been observed in an individual affected with hearing loss (PMID: 26969326). Loss-of-function variants in MYO15A are known to be pathogenic (PMID: 17546645). For these reasons, this variant has been classified as Pathogenic.

Literature cited by the submitters: PubMed 26969326; PubMed 17546645.